The following is an entry in ClinVar:

ClinVar aggregate classification (germline): Uncertain significance. Review status: criteria provided, multiple submitters, no conflicts (2 of 4 stars). 3 submissions from 3 submitters: Uncertain significance (3). Last evaluated 2025-12-17.

Conditions:
Hereditary cancer-predisposing syndrome. Also called: Tumor predisposition; Neoplastic Syndromes, Hereditary; Hereditary neoplastic syndrome; Hereditary Cancer Syndrome. Identifiers: Orphanet 140162, MedGen C0027672, MeSH D009386, MONDO:0015356.
Familial melanoma. Also called: Hereditary melanoma; Hereditary cutaneous melanoma. Identifiers: Orphanet 618, MedGen C1512419, MONDO:0018961.

Allele frequency attached by ClinVar (database versions not stated): gnomAD exomes below 0.00001 and 0.00001.
gnomAD v4.1: 2 of 1,611,012 alleles (0.00012%); highest among the groups gnomAD compares: South Asian, 0.0022%; no homozygotes.

Submissions (3):

Ambry Genetics
Classification: Uncertain significance for Hereditary cancer-predisposing syndrome. Last evaluated: 2025-12-17. Review status: criteria provided, single submitter. Criteria: Ambry Variant Classification Scheme 2023. Collection method: clinical testing. Allele origin: germline.
Comment: The p.E26Q variant (also known as c.76G>C), located in coding exon 1 of the CDKN2A gene, results from a G to C substitution at nucleotide position 76. The glutamic acid at codon 26 is replaced by glutamine, an amino acid with highly similar properties. This amino acid position is not well conserved in available vertebrate species. In addition, this alteration is predicted to be tolerated by in silico analysis. Based on the available evidence, the clinical significance of this variant remains unclear.

Labcorp Genetics (formerly Invitae), Labcorp
Classification: Uncertain significance for Familial melanoma. Last evaluated: 2023-07-31. Review status: criteria provided, single submitter. Criteria: Invitae Variant Classification Sherloc (09022015). Collection method: clinical testing. Allele origin: germline.
Comment: In summary, the available evidence is currently insufficient to determine the role of this variant in disease. Therefore, it has been classified as a Variant of Uncertain Significance. Algorithms developed to predict the effect of missense changes on protein structure and function output the following: SIFT: "Not Available"; PolyPhen-2: "Benign"; Align-GVGD: "Not Available". The glutamine amino acid residue is found in multiple mammalian species, which suggests that this missense change does not adversely affect protein function. ClinVar contains an entry for this variant (Variation ID: 919572). This variant has not been reported in the literature in individuals affected with CDKN2A (p16INK4a)-related conditions. This variant is present in population databases (no rsID available, gnomAD 0.007%). This sequence change replaces glutamic acid, which is acidic and polar, with glutamine, which is neutral and polar, at codon 26 of the CDKN2A (p16INK4a) protein (p.Glu26Gln).

Color Diagnostics, LLC DBA Color Health
Classification: Uncertain significance for Hereditary cancer-predisposing syndrome. Last evaluated: 2022-10-10. Review status: criteria provided, single submitter. Criteria: ACMG Guidelines, 2015. Collection method: clinical testing. Allele origin: germline.
Comment: The CDKN2A locus encodes two different gene products, p16INK4a and p14ARF. This missense variant replaces glutamic acid with glutamine at codon 26 of the CDKN2A (p16INK4A) protein. Computational prediction suggests that this variant may not impact protein structure and function (internally defined REVEL score threshold <= 0.5, PMID: 27666373). To our knowledge, functional studies have not been reported for this variant. This variant has not been reported in individuals affected with hereditary cancer in the literature. This variant has been identified in 2/238850 chromosomes in the general population by the Genome Aggregation Database (gnomAD). The available evidence is insufficient to determine the role of this variant in disease conclusively. Therefore, this variant is classified as a Variant of Uncertain Significance.

NM_000077.5(CDKN2A):c.76G>C (p.Glu26Gln)

Gene: CDKN2A (cyclin dependent kinase inhibitor 2A; minus strand). Cytogenetic location: 9p21.3.
Variant type: single nucleotide variant.
Coding change: c.76G>C on transcript NM_000077.5; coding-DNA position 76, G replaced by C.
Protein change: p.Glu26Gln; replaces glutamic acid 26 with glutamine.
Molecular consequence: missense variant (on NM_000077.6). On other transcripts: intron variant (2).
Genome position (GRCh38, 1-based): chr9:21,974,752, C>G on the plus strand (G>C on the coding strand, the complement: CDKN2A is on the minus strand). VCF-style: chr9-21974752-C-G. GRCh37 (hg19) VCF-style: chr9-21974751-C-G.
Other names: c.76G>C, p.Glu26Gln (NM_000077.6, NM_001195132.2, NM_058197.5); c.-3-3544G>C (NM_001363763.2); c.194-3544G>C (NM_058195.4); short protein forms E26Q.
Identifiers: ClinVar variation 919572 (VCV000919572.8), dbSNP rs1317637377, ClinGen allele CA373086610.